The following is an entry in ClinVar:

NM_001291303.3(FAT4):c.4903A>G (p.Ile1635Val)

Gene: FAT4 (FAT atypical cadherin 4; plus strand). Cytogenetic location: 4q28.1.
Variant type: single nucleotide variant.
Coding change: c.4903A>G on transcript NM_001291303.3 (MANE Select); coding-DNA position 4903, A replaced by G.
Protein change: p.Ile1635Val; replaces isoleucine 1635 with valine.
Molecular consequence: missense variant.
Genome position (GRCh38, 1-based): chr4:125,321,314, A>G. VCF-style: chr4-125321314-A-G. GRCh37 (hg19) VCF-style: chr4-126242469-A-G.
Other names: c.4903A>G, p.Ile1635Val (NM_001291285.3, NM_024582.6); c.4903A>G (NM_024582.4); short protein forms I1635V.
Identifiers: ClinVar variation 1431278 (VCV001431278.7), dbSNP rs754135078, ClinGen allele CA3072534.

ClinVar aggregate classification (germline): Uncertain significance. Review status: criteria provided, multiple submitters, no conflicts (2 of 4 stars). 2 submissions from 2 submitters: Uncertain significance (2). Last evaluated 2025-01-21.

Allele frequency attached by ClinVar (database versions not stated): ExAC 0.00001; gnomAD 0.00001; gnomAD exomes 0.00001 and 0.00002.
gnomAD v4.1: 27 of 1,614,016 alleles (0.0017%); highest among the groups gnomAD compares: Non-Finnish European, 0.0023%; no homozygotes.

Submissions (2):

GeneDx
Classification: Uncertain significance. Last evaluated: 2025-01-21. Review status: criteria provided, single submitter. Criteria: GeneDx Variant Classification Process June 2021. Collection method: clinical testing. Allele origin: germline. Affected: yes.
Comment: Not observed at significant frequency in large population cohorts (gnomAD); In silico analysis indicates that this missense variant does not alter protein structure/function; Has not been previously published as pathogenic or benign to our knowledge

Labcorp Genetics (formerly Invitae), Labcorp
Classification: Uncertain significance. Last evaluated: 2023-06-06. Review status: criteria provided, single submitter. Criteria: Invitae Variant Classification Sherloc (09022015). Collection method: clinical testing. Allele origin: germline.
Comment: This variant is present in population databases (rs754135078, gnomAD 0.003%). In summary, the available evidence is currently insufficient to determine the role of this variant in disease. Therefore, it has been classified as a Variant of Uncertain Significance. Advanced modeling of protein sequence and biophysical properties (such as structural, functional, and spatial information, amino acid conservation, physicochemical variation, residue mobility, and thermodynamic stability) performed at Invitae indicates that this missense variant is not expected to disrupt FAT4 protein function. ClinVar contains an entry for this variant (Variation ID: 1431278). This variant has not been reported in the literature in individuals affected with FAT4-related conditions. This sequence change replaces isoleucine, which is neutral and non-polar, with valine, which is neutral and non-polar, at codon 1635 of the FAT4 protein (p.Ile1635Val).